The following is an entry in ClinVar:

NM_001170629.2(CHD8):c.1842C>G (p.Leu614=)

Gene: CHD8 (chromodomain helicase DNA binding protein 8; minus strand). Cytogenetic location: 14q11.2.
Variant type: single nucleotide variant.
Coding change: c.1842C>G on transcript NM_001170629.2 (MANE Select); coding-DNA position 1842, C replaced by G.
Protein change: p.Leu614=; no amino-acid change (leucine 614 retained).
Molecular consequence: synonymous variant.
Genome position (GRCh38, 1-based): chr14:21,415,782, G>C on the plus strand (C>G on the coding strand, the complement: CHD8 is on the minus strand). VCF-style: chr14-21415782-G-C. GRCh37 (hg19) VCF-style: chr14-21883941-G-C.
Other names: c.1005C>G, p.Leu335= (NM_020920.4).
Identifiers: ClinVar variation 1661438 (VCV001661438.12), dbSNP rs376100482, ClinGen allele CA7091701.

ClinVar aggregate classification (germline): Likely benign. Review status: criteria provided, multiple submitters, no conflicts (2 of 4 stars). 2 submissions from 2 submitters: Likely benign (2). Last evaluated 2026-03-01.

Allele frequency attached by ClinVar (database versions not stated): gnomAD 0.00003; ESP Exome Variant Server 0.00016.
gnomAD v4.1: 32 of 1,613,828 alleles (0.002%); highest among the groups gnomAD compares: African/African-American, 0.0027%; no homozygotes.

Submissions (2):

CeGaT Center for Human Genetics Tuebingen
Classification: Likely benign. Last evaluated: 2026-03-01. Review status: criteria provided, single submitter. Criteria: CeGaT Center For Human Genetics Tuebingen Variant Classification Criteria Version 2. Collection method: clinical testing. Allele origin: germline. Affected: yes. Observed: 1 variant allele.
Comment: CHD8: BP4, BP7

Labcorp Genetics (formerly Invitae), Labcorp
Classification: Likely benign. Last evaluated: 2025-10-08. Review status: criteria provided, single submitter. Criteria: Invitae Variant Classification Sherloc (09022015). Collection method: clinical testing. Allele origin: germline.